The following is an entry in ClinVar:

NM_000182.5(HADHA):c.2077A>G (p.Ile693Val)

Genes: GAREM2 (GRB2 associated regulator of MAPK1 subtype 2; plus strand), HADHA (hydroxyacyl-CoA dehydrogenase trifunctional multienzyme complex subunit alpha; minus strand). Cytogenetic location: 2p23.3.
Variant type: single nucleotide variant.
Coding change: c.2077A>G on transcript NM_000182.5 (MANE Select); coding-DNA position 2077, A replaced by G.
Protein change: p.Ile693Val; replaces isoleucine 693 with valine.
Molecular consequence: missense variant.
Genome position (GRCh38, 1-based): chr2:26,191,552, T>C on the plus strand (A>G on the coding strand, the complement: HADHA is on the minus strand). VCF-style: chr2-26191552-T-C. GRCh37 (hg19) VCF-style: chr2-26414421-T-C.
Other names: c.2077A>G (NM_000182.4); short protein forms I693V.
Identifiers: ClinVar variation 2038285 (VCV002038285.4), dbSNP rs1017968154, ClinGen allele CA44376825.

ClinVar aggregate classification (germline): Uncertain significance. Review status: criteria provided, multiple submitters, no conflicts (2 of 4 stars). 2 submissions from 2 submitters: Uncertain significance (2). Last evaluated 2025-03-30.

Conditions:
Mitochondrial trifunctional protein deficiency. Identifiers: Orphanet 746, MedGen C1969443, MONDO:0012172.
Long chain 3-hydroxyacyl-CoA dehydrogenase deficiency. Also called: Deficiency of long-chain 3-hydroxyacyl-coenzyme A dehydrogenase; LCHAD Deficiency. Identifiers: Orphanet 5, MedGen C3711645, MONDO:0012173, OMIM 609016.
Inborn genetic diseases. Identifiers: MedGen C0950123, MeSH D030342.

Allele frequency attached by ClinVar (database versions not stated): gnomAD exomes below 0.00001; gnomAD 0.00001; TOPMed 0.00003.
gnomAD v4.1: 6 of 1,613,876 alleles (0.00037%); highest among the groups gnomAD compares: Admixed American, 0.0017%; no homozygotes.

Submissions (2):

Ambry Genetics
Classification: Uncertain significance for Inborn genetic diseases. Last evaluated: 2025-03-30. Review status: criteria provided, single submitter. Criteria: Ambry Variant Classification Scheme 2023. Collection method: clinical testing. Allele origin: germline.

Labcorp Genetics (formerly Invitae), Labcorp
Classification: Uncertain significance for Mitochondrial trifunctional protein deficiency; Long chain 3-hydroxyacyl-CoA dehydrogenase deficiency. Last evaluated: 2022-05-03. Review status: criteria provided, single submitter. Criteria: Invitae Variant Classification Sherloc (09022015). Collection method: clinical testing. Allele origin: germline.
Comment: This sequence change replaces isoleucine, which is neutral and non-polar, with valine, which is neutral and non-polar, at codon 693 of the HADHA protein (p.Ile693Val). This variant is not present in population databases (gnomAD no frequency). This variant has not been reported in the literature in individuals affected with HADHA-related conditions. Advanced modeling of protein sequence and biophysical properties (such as structural, functional, and spatial information, amino acid conservation, physicochemical variation, residue mobility, and thermodynamic stability) performed at Invitae indicates that this missense variant is not expected to disrupt HADHA protein function. In summary, the available evidence is currently insufficient to determine the role of this variant in disease. Therefore, it has been classified as a Variant of Uncertain Significance.